The following is an entry in ClinVar:

NM_000363.5(TNNI3):c.235C>T (p.Arg79Cys)

Gene: TNNI3 (troponin I3, cardiac type; minus strand). Cytogenetic location: 19q13.42.
Variant type: single nucleotide variant.
Coding change: c.235C>T on transcript NM_000363.5 (MANE Select); coding-DNA position 235, C replaced by T.
Protein change: p.Arg79Cys; replaces arginine 79 with cysteine.
Molecular consequence: missense variant.
Genome position (GRCh38, 1-based): chr19:55,156,248, G>A on the plus strand (C>T on the coding strand, the complement: TNNI3 is on the minus strand). VCF-style: chr19-55156248-G-A. GRCh37 (hg19) VCF-style: chr19-55667616-G-A.
Other names: p.R79C:CGC>TGC; short protein forms R79C.
Identifiers: ClinVar variation 43367 (VCV000043367.36), dbSNP rs3729712, ClinGen allele CA021395.

ClinVar aggregate classification (germline): Conflicting classifications of pathogenicity. Review status: criteria provided, conflicting classifications (1 of 4 stars). 18 submissions from 15 submitters: Uncertain significance (1); Benign (5); Likely benign (10). 2 of the submissions do not count toward it. Last evaluated 2026-01-26.

Conditions:
Cardiovascular phenotype. Identifiers: MedGen CN230736.
Familial Hypertrophic Cardiomyopathy with Wolff-Parkinson-White Syndrome. Identifiers: MedGen CN239247.
Cardiomyopathy (CMYO). Also called: Cardiomyopathies. Identifiers: Orphanet 167848, MedGen C0878544, MONDO:0004994, HP:0001638. Inheritance: Various modes of inheritance.
Hypertrophic cardiomyopathy 1 (CMH1). Also called: MYH7-Related Familial Hypertrophic Cardiomyopathy; Familial hypertrophic cardiomyopathy 1. Identifiers: MedGen C3495498, MONDO:0008647, OMIM 192600.
Cardiomyopathy, familial restrictive, 1. Identifiers: Orphanet 75249, MedGen C1861861, MONDO:0007270, OMIM 115210.
Dilated cardiomyopathy 2A (CMD2A). Also called: CARDIOMYOPATHY, CONGESTIVE, AUTOSOMAL RECESSIVE; CARDIOMYOPATHY, DILATED, AUTOSOMAL RECESSIVE. Identifiers: Orphanet 154, MedGen C2678474, MONDO:0012746, OMIM 611880.
Hypertrophic cardiomyopathy 7. Also called: TNNI3-Related Familial Hypertrophic Cardiomyopathy; Familial hypertrophic cardiomyopathy 7; CARDIOMYOPATHY, FAMILIAL HYPERTROPHIC, 7, MODIFIER OF. Identifiers: MedGen C1860752, MONDO:0013369, OMIM 613690.
Hypertrophic cardiomyopathy. Also called: HYPERTROPHIC MYOCARDIOPATHY. Identifiers: Orphanet 217569, MedGen C0007194, MeSH D002312, MONDO:0005045, HP:0001639.

Allele frequency attached by ClinVar (database versions not stated): ExAC 0.00043; gnomAD exomes 0.00046; gnomAD 0.00048; TOPMed 0.00056; 1000 Genomes Project 0.00120; 1000 Genomes Project 30x 0.00141.

Submissions (18):

Labcorp Genetics (formerly Invitae), Labcorp
Classification: Likely benign for Hypertrophic cardiomyopathy. Last evaluated: 2026-01-26. Review status: criteria provided, single submitter. Criteria: Invitae Variant Classification Sherloc (09022015). Collection method: clinical testing. Allele origin: germline.

Blueprint Genetics
Classification: Likely benign. Last evaluated: 2024-11-08. Review status: criteria provided, single submitter. Criteria: ACMG Guidelines, 2015. Collection method: clinical testing. Allele origin: germline.

ARUP Laboratories, Molecular Genetics and Genomics, ARUP Laboratories
Classification: Likely benign. Last evaluated: 2023-10-18. Review status: criteria provided, single submitter. Criteria: ARUP Molecular Germline Variant Investigation Process 2024. Collection method: clinical testing. Allele origin: germline.

GeneDx
Classification: Likely benign. Last evaluated: 2019-11-20. Review status: criteria provided, single submitter. Criteria: GeneDx Variant Classification Process June 2021. Collection method: clinical testing. Allele origin: germline. Affected: yes.
Comment: This variant is associated with the following publications: (PMID: 24510615, 15607392, 26506446, 21310275, 9241277, 32815737, 33078954)

Mendelics
Classification: Benign for Hypertrophic cardiomyopathy 1. Last evaluated: 2019-05-28. Review status: criteria provided, single submitter. Criteria: Mendelics Assertion Criteria 2017. Collection method: clinical testing. Allele origin: unknown.

Ambry Genetics
Classification: Benign for Cardiovascular phenotype. Last evaluated: 2019-03-20. Review status: criteria provided, single submitter. Criteria: Ambry Variant Classification Scheme 2023. Collection method: clinical testing. Allele origin: germline.

Color Diagnostics, LLC DBA Color Health
Classification: Benign for Cardiomyopathy. Last evaluated: 2018-10-11. Review status: criteria provided, single submitter. Criteria: ACMG Guidelines, 2015. Collection method: clinical testing. Allele origin: germline.

CHEO Genetics Diagnostic Laboratory, Children's Hospital of Eastern Ontario
Classification: Benign for Cardiomyopathy. Last evaluated: 2018-07-03. Review status: criteria provided, single submitter. Criteria: ACMG Guidelines, 2015. Collection method: clinical testing. Allele origin: germline.

Center for Advanced Laboratory Medicine, UC San Diego Health, University of California San Diego
Classification: Likely benign for Hypertrophic cardiomyopathy. Last evaluated: 2018-05-08. Review status: criteria provided, single submitter. Criteria: ACMG Guidelines, 2015. Collection method: clinical testing. Allele origin: germline. Affected: yes. Observed: 1 variant allele.

Illumina Laboratory Services, Illumina
Classification: Likely benign for Cardiomyopathy, familial restrictive, 1. Last evaluated: 2018-01-13. Review status: criteria provided, single submitter. Criteria: ICSL Variant Classification Criteria 13 December 2019. Collection method: clinical testing. Allele origin: germline.
Comment: This variant was observed in the ICSL laboratory as part of a predisposition screen in an ostensibly healthy population. It had not been previously curated by ICSL or reported in the Human Gene Mutation Database (HGMD: prior to June 1st, 2018), and was therefore a candidate for classification through an automated scoring system. Utilizing variant allele frequency, disease prevalence and penetrance estimates, and inheritance mode, an automated score was calculated to assess if this variant is too frequent to cause the disease. Based on the score and internal cut-off values, a variant classified as likely benign is not then subjected to further curation. The score for this variant resulted in a classification of likely benign for this disease.

Illumina Laboratory Services, Illumina
Classification: Uncertain significance for Dilated cardiomyopathy 2A. Last evaluated: 2018-01-13. Review status: criteria provided, single submitter. Criteria: ICSL Variant Classification Criteria 13 December 2019. Collection method: clinical testing. Allele origin: germline.

Illumina Laboratory Services, Illumina
Classification: Likely benign for Hypertrophic cardiomyopathy 7. Last evaluated: 2018-01-13. Review status: criteria provided, single submitter. Criteria: ICSL Variant Classification Criteria 13 December 2019. Collection method: clinical testing. Allele origin: germline.
Comment: the same text as in the submission from Illumina Laboratory Services, Illumina above.

Illumina Laboratory Services, Illumina
Classification: Likely benign for Familial Hypertrophic Cardiomyopathy with Wolff-Parkinson-White Syndrome. Last evaluated: 2018-01-13. Review status: criteria provided, single submitter. Criteria: ICSL Variant Classification Criteria 13 December 2019. Collection method: clinical testing. Allele origin: germline.
Comment: the same text as in the submission from Illumina Laboratory Services, Illumina above.

Laboratory for Molecular Medicine, Mass General Brigham Personalized Medicine
Classification: Benign. Last evaluated: 2017-11-22. Review status: criteria provided, single submitter. Criteria: LMM Criteria. Collection method: clinical testing. Allele origin: germline. Observed: 5 variant alleles.
Comment: p.Arg79Cys in exon 5 of TNNI3: This variant is not expected to have clinical sig nificance because it has been identified in 0.6% (115/18670) of East Asian chrom osomes by the Genome Aggregation Database (gnomAD. org; dbSNP rs3729712). BA1

Stanford Center for Inherited Cardiovascular Disease, Stanford University
Classification: Likely benign. Last evaluated: 2017-09-06. Review status: criteria provided, single submitter. Criteria: ACMG Guidelines, 2015. Collection method: provider interpretation. Allele origin: germline.

Molecular Diagnostic Laboratory for Inherited Cardiovascular Disease, Montreal Heart Institute
Classification: Likely benign. Review status: criteria provided, single submitter. Criteria: ACMG Guidelines, 2015. Collection method: clinical testing. Allele origin: germline. Affected: yes.

Genome Diagnostics Laboratory, University Medical Center Utrecht
Classification: Likely benign. Review status: no assertion criteria provided. Collection method: clinical testing. Allele origin: germline. Affected: yes. Study: VKGL Data-share Consensus. Not counted in ClinVar's aggregate classification.

Joint Genome Diagnostic Labs from Nijmegen and Maastricht, Radboudumc and MUMC+
Classification: Likely benign. Review status: no assertion criteria provided. Collection method: clinical testing. Allele origin: germline. Affected: yes. Study: VKGL Data-share Consensus. Not counted in ClinVar's aggregate classification.

Literature cited by the submitters: PubMed 15607392 (cited by Laboratory for Molecular Medicine, Mass General Brigham Personalized Medicine); PubMed 9241277 (cited by Laboratory for Molecular Medicine, Mass General Brigham Personalized Medicine).